The following is an entry in ClinVar:

ClinVar aggregate classification (germline): Uncertain significance. Review status: criteria provided, multiple submitters, no conflicts (2 of 4 stars). 2 submissions from 2 submitters: Uncertain significance (2). Last evaluated 2024-02-17.

Conditions:
Inborn genetic diseases. Identifiers: MedGen C0950123, MeSH D030342.

Allele frequency attached by ClinVar (database versions not stated): 1000 Genomes Project 30x 0.00016; 1000 Genomes Project 0.00020; ESP Exome Variant Server 0.00069.
gnomAD v4.1: 134 of 1,614,132 alleles (0.0083%); highest among the groups gnomAD compares: African/African-American, 0.13%; no homozygotes.

Submissions (2):

Labcorp Genetics (formerly Invitae), Labcorp
Classification: Uncertain significance. Last evaluated: 2024-02-17. Review status: criteria provided, single submitter. Criteria: Invitae Variant Classification Sherloc (09022015). Collection method: clinical testing. Allele origin: germline.
Comment: This sequence change replaces histidine, which is basic and polar, with arginine, which is basic and polar, at codon 392 of the ITGA8 protein (p.His392Arg). This variant is present in population databases (rs139249793, gnomAD 0.1%). This variant has not been reported in the literature in individuals affected with ITGA8-related conditions. ClinVar contains an entry for this variant (Variation ID: 2364959). Advanced modeling of protein sequence and biophysical properties (such as structural, functional, and spatial information, amino acid conservation, physicochemical variation, residue mobility, and thermodynamic stability) performed at Invitae indicates that this missense variant is not expected to disrupt ITGA8 protein function with a negative predictive value of 80%. In summary, the available evidence is currently insufficient to determine the role of this variant in disease. Therefore, it has been classified as a Variant of Uncertain Significance.

Ambry Genetics
Classification: Uncertain significance for Inborn genetic diseases. Last evaluated: 2021-08-12. Review status: criteria provided, single submitter. Criteria: Ambry Variant Classification Scheme 2023. Collection method: clinical testing. Allele origin: germline.

NM_003638.3(ITGA8):c.1175A>G (p.His392Arg)

Gene: ITGA8 (integrin subunit alpha 8; minus strand). Cytogenetic location: 10p13.
Variant type: single nucleotide variant.
Coding change: c.1175A>G on transcript NM_003638.3 (MANE Select); coding-DNA position 1175, A replaced by G.
Protein change: p.His392Arg; replaces histidine 392 with arginine.
Molecular consequence: missense variant.
Genome position (GRCh38, 1-based): chr10:15,646,878, T>C on the plus strand (A>G on the coding strand, the complement: ITGA8 is on the minus strand). VCF-style: chr10-15646878-T-C. GRCh37 (hg19) VCF-style: chr10-15688877-T-C.
Other names: c.1130A>G, p.His377Arg (NM_001291494.2); c.1175A>G (NM_003638.1); short protein forms H377R, H392R.
Identifiers: ClinVar variation 2364959 (VCV002364959.7), dbSNP rs139249793, ClinGen allele CA5420339.